The following is an entry in ClinVar:

NM_003482.4(KMT2D):c.11009G>A (p.Gly3670Asp)

Gene: KMT2D (lysine methyltransferase 2D; minus strand). Cytogenetic location: 12q13.12.
Variant type: single nucleotide variant.
Coding change: c.11009G>A on transcript NM_003482.4 (MANE Select); coding-DNA position 11009, G replaced by A.
Protein change: p.Gly3670Asp; replaces glycine 3670 with aspartic acid.
Molecular consequence: missense variant.
Genome position (GRCh38, 1-based): chr12:49,033,696, C>T on the plus strand (G>A on the coding strand, the complement: KMT2D is on the minus strand). VCF-style: chr12-49033696-C-T. GRCh37 (hg19) VCF-style: chr12-49427479-C-T.
Other names: short protein forms G3670D.
Identifiers: ClinVar variation 1712237 (VCV001712237.4), dbSNP rs910376967, ClinGen allele CA384724298.

ClinVar aggregate classification (germline): Uncertain significance. Review status: criteria provided, multiple submitters, no conflicts (2 of 4 stars). 2 submissions from 2 submitters: Uncertain significance (2). Last evaluated 2024-04-22.

Conditions:
Kabuki syndrome. Also called: NIIKAWA-KUROKI SYNDROME; Kabuki make-up syndrome. Identifiers: Orphanet 2322, MedGen C0796004, MONDO:0016512.

Submissions (2):

Labcorp Genetics (formerly Invitae), Labcorp
Classification: Uncertain significance for Kabuki syndrome. Last evaluated: 2024-04-22. Review status: criteria provided, single submitter. Criteria: Invitae Variant Classification Sherloc (09022015). Collection method: clinical testing. Allele origin: germline.
Comment: This sequence change replaces glycine, which is neutral and non-polar, with aspartic acid, which is acidic and polar, at codon 3670 of the KMT2D protein (p.Gly3670Asp). This variant is not present in population databases (gnomAD no frequency). This variant has not been reported in the literature in individuals affected with KMT2D-related conditions. ClinVar contains an entry for this variant (Variation ID: 1712237). Advanced modeling of protein sequence and biophysical properties (such as structural, functional, and spatial information, amino acid conservation, physicochemical variation, residue mobility, and thermodynamic stability) performed at Invitae indicates that this missense variant is not expected to disrupt KMT2D protein function with a negative predictive value of 95%. In summary, the available evidence is currently insufficient to determine the role of this variant in disease. Therefore, it has been classified as a Variant of Uncertain Significance.

GeneDx
Classification: Uncertain significance. Last evaluated: 2022-04-20. Review status: criteria provided, single submitter. Criteria: GeneDx Variant Classification Process June 2021. Collection method: clinical testing. Allele origin: germline. Affected: yes.
Comment: Not observed at significant frequency in large population cohorts (gnomAD); In silico analysis supports that this missense variant does not alter protein structure/function; Has not been previously published as pathogenic or benign to our knowledge